The following is an entry in ClinVar:

NM_014679.5(CEP57):c.355A>G (p.Lys119Glu)

Gene: CEP57 (centrosomal protein 57; plus strand). Cytogenetic location: 11q21.
Variant type: single nucleotide variant.
Coding change: c.355A>G on transcript NM_014679.5 (MANE Select); coding-DNA position 355, A replaced by G.
Protein change: p.Lys119Glu; replaces lysine 119 with glutamic acid.
Molecular consequence: missense variant.
Genome position (GRCh38, 1-based): chr11:95,813,084, A>G. VCF-style: chr11-95813084-A-G. GRCh37 (hg19) VCF-style: chr11-95546248-A-G.
Other names: c.328A>G, p.Lys110Glu (NM_001243776.2); c.355A>G, p.Lys119Glu (NM_001243777.2); c.274A>G, p.Lys92Glu (NM_001363604.2); short protein forms K92E, K110E, K119E.
Identifiers: ClinVar variation 4000979 (VCV004000979.1).
Genomic context (GRCh38, chr11:95,813,084, plus strand): 5'-AGAGAAACAATTGAATATAAGAAAGTACTGGATGAACAGATACAAGAAAGGGAGAATTCA[A>G]AGAATGAGGAATCAAAGCACAATCAAGGTTTGTTGATGAAGAAAATTAAAATTCTATCAA-3'
Protein context (NP_055494.2, residues 109-129): DEQIQERENS[Lys119Glu]NEESKHNQEL

ClinVar aggregate classification (germline): Uncertain significance (1 of 4 stars; one submission).

Conditions:
Inborn genetic diseases. Identifiers: MedGen C0950123, MeSH D030342.

gnomAD v4.1: 3 of 1,613,066 alleles (0.00019%); highest among the groups gnomAD compares: Admixed American, 0.005%; no homozygotes.

Submission:

Ambry Genetics
Classification: Uncertain significance for Inborn genetic diseases. Last evaluated: 2025-03-22. Review status: criteria provided, single submitter. Criteria: Ambry Variant Classification Scheme 2023. Collection method: clinical testing. Allele origin: germline.
Comment: The p.K119E variant (also known as c.355A>G), located in coding exon 3 of the CEP57 gene, results from an A to G substitution at nucleotide position 355. The lysine at codon 119 is replaced by glutamic acid, an amino acid with similar properties. This amino acid position is conserved. In addition, the in silico prediction for this alteration is inconclusive. Based on the available evidence, the clinical significance of this variant remains unclear.